The following is an entry in ClinVar:

ClinVar aggregate classification (germline): Likely pathogenic. Review status: criteria provided, multiple submitters, no conflicts (2 of 4 stars). 2 submissions from 2 submitters: Likely pathogenic (2). Last evaluated 2022-10-11.

Conditions:
Hurler syndrome. Also called: Gargoylism, Hurler Syndrome; MUCOPOLYSACCHARIDOSIS TYPE IH; Severe MPS I (Hurler Syndrome). Identifiers: Orphanet 93473, MedGen C0086795, MONDO:0011758, OMIM 607014.
Mucopolysaccharidosis type 1. Also called: IDUA deficiency; MPS I; Mucopolysaccharidosis Type I. Identifiers: Orphanet 579, MedGen C0023786, MONDO:0001586.

Submissions (2):

Labcorp Genetics (formerly Invitae), Labcorp
Classification: Likely pathogenic for Mucopolysaccharidosis type 1. Last evaluated: 2022-10-11. Review status: criteria provided, single submitter. Criteria: Invitae Variant Classification Sherloc (09022015). Collection method: clinical testing. Allele origin: germline.
Comment: In summary, the currently available evidence indicates that the variant is pathogenic, but additional data are needed to prove that conclusively. Therefore, this variant has been classified as Likely Pathogenic. This variant disrupts the p.Ala319 amino acid residue in IDUA. Other variant(s) that disrupt this residue have been determined to be pathogenic (PMID: 11735025). This suggests that this residue is clinically significant, and that variants that disrupt this residue are likely to be disease-causing. Advanced modeling of protein sequence and biophysical properties (such as structural, functional, and spatial information, amino acid conservation, physicochemical variation, residue mobility, and thermodynamic stability) performed at Invitae indicates that this missense variant is expected to disrupt IDUA protein function. ClinVar contains an entry for this variant (Variation ID: 1685351). This variant has not been reported in the literature in individuals affected with IDUA-related conditions. This variant is not present in population databases (gnomAD no frequency). This sequence change replaces alanine, which is neutral and non-polar, with glutamic acid, which is acidic and polar, at codon 319 of the IDUA protein (p.Ala319Glu).

Mendelics
Classification: Likely pathogenic for Hurler syndrome. Last evaluated: 2022-05-04. Review status: criteria provided, single submitter. Criteria: Mendelics Assertion Criteria 2019. Collection method: clinical testing. Allele origin: germline.

Literature cited by the submitters: PubMed 11735025 (cited by Labcorp Genetics (formerly Invitae), Labcorp).

NM_000203.5(IDUA):c.956C>A (p.Ala319Glu)

Gene: IDUA (alpha-L-iduronidase; plus strand). Cytogenetic location: 4p16.3.
Variant type: single nucleotide variant.
Coding change: c.956C>A on transcript NM_000203.5 (MANE Select); coding-DNA position 956, C replaced by A.
Protein change: p.Ala319Glu; replaces alanine 319 with glutamic acid.
Molecular consequence: missense variant. On other transcripts: non-coding transcript variant (1).
Genome position (GRCh38, 1-based): chr4:1,002,145, C>A. VCF-style: chr4-1002145-C-A. GRCh37 (hg19) VCF-style: chr4-995933-C-A.
Other names: c.560C>A, p.Ala187Glu (NM_001363576.1); short protein forms A187E, A319E.
Identifiers: ClinVar variation 1685351 (VCV001685351.6), dbSNP rs781534097, ClinGen allele CA355962816.